The following is an entry in ClinVar:

NM_001382391.1(CSPP1):c.2643+4T>C

Gene: CSPP1 (centrosome and spindle pole associated protein 1; plus strand). Cytogenetic location: 8q13.2.
Variant type: single nucleotide variant.
Coding change: c.2643+4T>C on transcript NM_001382391.1 (MANE Select); 4 bases into the intron after coding-DNA position 2643, T replaced by C.
Molecular consequence: intron variant.
Genome position (GRCh38, 1-based): chr8:67,161,919, T>C. VCF-style: chr8-67161919-T-C. GRCh37 (hg19) VCF-style: chr8-68074154-T-C.
Other names: c.2448+4T>C (NM_001363132.2); c.2562+4T>C (NM_001363131.2); c.2367+4T>C (NM_001363133.2); c.2709+4T>C (NM_001364869.1); c.2628+4T>C (NM_024790.7, NM_001438331.1); c.2475+4T>C (NM_001438330.1); c.2529+4T>C (NM_001364870.1); c.1944+4T>C (NM_001438332.1); and 1 more.
Identifiers: ClinVar variation 2417446 (VCV002417446.4), dbSNP rs748730202, ClinGen allele CA4770887.

ClinVar aggregate classification (germline): Uncertain significance (1 of 4 stars; one submission).

Conditions:
Joubert syndrome 21 (JBTS21). Identifiers: MedGen C3810212, MONDO:0014288, OMIM 615636.

Allele frequency attached by ClinVar (database versions not stated): TOPMed below 0.00001; ExAC 0.00002.
gnomAD v4.1: 6 of 1,567,366 alleles (0.00038%); highest among the groups gnomAD compares: Admixed American, 0.01%; no homozygotes.

Submission:

Labcorp Genetics (formerly Invitae), Labcorp
Classification: Uncertain significance for Joubert syndrome 21. Last evaluated: 2022-04-04. Review status: criteria provided, single submitter. Criteria: Invitae Variant Classification Sherloc (09022015). Collection method: clinical testing. Allele origin: germline.
Comment: In summary, the available evidence is currently insufficient to determine the role of this variant in disease. Therefore, it has been classified as a Variant of Uncertain Significance. Variants that disrupt the consensus splice site are a relatively common cause of aberrant splicing (PMID: 17576681, 9536098). Algorithms developed to predict the effect of sequence changes on RNA splicing suggest that this variant is not likely to affect RNA splicing. This variant has not been reported in the literature in individuals affected with CSPP1-related conditions. This variant is present in population databases (rs748730202, gnomAD 0.02%). This sequence change falls in intron 20 of the CSPP1 gene. It does not directly change the encoded amino acid sequence of the CSPP1 protein. It affects a nucleotide within the consensus splice site.

Literature cited by the submitters: PubMed 17576681; PubMed 9536098.